The following is an entry in ClinVar:

ClinVar aggregate classification (germline): Uncertain significance. Review status: criteria provided, multiple submitters, no conflicts (2 of 4 stars). 3 submissions from 3 submitters: Uncertain significance (3). Last evaluated 2025-01-23.

Allele frequency attached by ClinVar (database versions not stated): gnomAD 0.00001 and 0.00003; TOPMed 0.00001; gnomAD exomes 0.00002; ExAC 0.00003.
gnomAD v4.1: 32 of 1,613,730 alleles (0.002%); highest among the groups gnomAD compares: East Asian, 0.0067%; 1 homozygote.

Submissions (3):

Labcorp Genetics (formerly Invitae), Labcorp
Classification: Uncertain significance. Last evaluated: 2025-01-23. Review status: criteria provided, single submitter. Criteria: Invitae Variant Classification Sherloc (09022015). Collection method: clinical testing. Allele origin: germline.
Comment: This sequence change replaces glutamic acid, which is acidic and polar, with aspartic acid, which is acidic and polar, at codon 95 of the DHX38 protein (p.Glu95Asp). The frequency data for this variant in the population databases is considered unreliable, as metrics indicate poor data quality at this position in the gnomAD database. This variant has not been reported in the literature in individuals affected with DHX38-related conditions. ClinVar contains an entry for this variant (Variation ID: 937591). An algorithm developed to predict the effect of missense changes on protein structure and function outputs the following: PolyPhen-2: "Benign". The aspartic acid amino acid residue is found in multiple mammalian species, which suggests that this missense change does not adversely affect protein function. In summary, the available evidence is currently insufficient to determine the role of this variant in disease. Therefore, it has been classified as a Variant of Uncertain Significance.

Blueprint Genetics
Classification: Uncertain significance. Last evaluated: 2024-10-25. Review status: criteria provided, single submitter. Criteria: ACMG Guidelines, 2015. Collection method: clinical testing. Allele origin: germline.

Ambry Genetics
Classification: Uncertain significance. Last evaluated: 2024-03-18. Review status: criteria provided, single submitter. Criteria: Ambry Variant Classification Scheme 2023. Collection method: clinical testing. Allele origin: germline.

NM_014003.4(DHX38):c.285G>C (p.Glu95Asp)

Gene: DHX38 (DEAH-box helicase 38; plus strand). Cytogenetic location: 16q22.2.
Variant type: single nucleotide variant.
Coding change: c.285G>C on transcript NM_014003.4 (MANE Select); coding-DNA position 285, G replaced by C.
Protein change: p.Glu95Asp; replaces glutamic acid 95 with aspartic acid.
Molecular consequence: missense variant.
Genome position (GRCh38, 1-based): chr16:72,096,442, G>C. VCF-style: chr16-72096442-G-C. GRCh37 (hg19) VCF-style: chr16-72130341-G-C.
Other names: short protein forms E95D.
Identifiers: ClinVar variation 937591 (VCV000937591.8), dbSNP rs777080614, ClinGen allele CA8159901.